The following is an entry in ClinVar:

NM_014141.6(CNTNAP2):c.3278G>A (p.Gly1093Asp)

Gene: CNTNAP2 (contactin associated protein 2; plus strand). Cytogenetic location: 7q36.1.
Variant type: single nucleotide variant.
Coding change: c.3278G>A on transcript NM_014141.6 (MANE Select); coding-DNA position 3278, G replaced by A.
Protein change: p.Gly1093Asp; replaces glycine 1093 with aspartic acid.
Molecular consequence: missense variant.
Genome position (GRCh38, 1-based): chr7:148,229,676, G>A. VCF-style: chr7-148229676-G-A. GRCh37 (hg19) VCF-style: chr7-147926768-G-A.
Other names: p.G1093D:GGC>GAC; short protein forms G1093D.
Identifiers: ClinVar variation 205317 (VCV000205317.2), dbSNP rs796052391, ClinGen allele CA314267.

ClinVar aggregate classification (germline): Uncertain significance (1 of 4 stars; one submission).

Allele frequency attached by ClinVar (database versions not stated): TOPMed below 0.00001.

Submission:

GeneDx
Classification: Uncertain significance. Last evaluated: 2015-01-15. Review status: criteria provided, single submitter. Criteria: GeneDx Variant Classification (06012015). Collection method: clinical testing. Allele origin: germline. Affected: yes.
Comment: p.Gly1093Asp (GGC>GAC): c.3278 G>A in exon 20 of the CNTNAP2 gene (NM_014141.5). The G1093D variant has not been published as a mutation, nor has it been reported as a benign polymorphism to our knowledge. It was not observed in approximately 6,500 individuals of European and African American ancestry in the NHLBI Exome Sequencing Project, indicating it is not a common benign variant in these populations. The G1093D variant is a non-conservative amino acid substitution, which is likely to impact secondary protein structure as these residues differ in polarity, charge, size and/or other properties. In silico analysis predicts this variant is probably damaging to the protein structure/function. This substitution occurs a conserved position; however, Aspartic acid has been seen at this position in evolution. Additionally, missense mutations in nearby residues have not been reported. Therefore, based on the currently available information, it is unclear whether this variant is a pathogenic mutation or a rare benign variant. The variant is found in STAT-EPIV2-1-REST panel(s).